The following is an entry in ClinVar:

ClinVar aggregate classification (germline): Conflicting classifications of pathogenicity. Review status: criteria provided, conflicting classifications (1 of 4 stars). 13 submissions from 13 submitters: Pathogenic (1); Likely pathogenic (2); Uncertain significance (8). 2 of the submissions do not count toward it. Last evaluated 2026-01-12.

Conditions:
Charcot-Marie-Tooth disease type 4B3. Also called: Charcot-Marie-Tooth Neuropathy Type 4B3; CHARCOT-MARIE-TOOTH DISEASE, DEMYELINATING, TYPE 4B3. Identifiers: Orphanet 363981, MedGen C3695063, MONDO:0014117, OMIM 615284.
Tip-toe gait. Also called: Toe walking. Identifiers: MedGen C0427144, HP:0030051.

Allele frequency attached by ClinVar (database versions not stated): gnomAD exomes 0.00033 and 0.00022; gnomAD 0.00036 and 0.00024; 1000 Genomes Project 0.00040; ESP Exome Variant Server 0.00008; TOPMed 0.00023; 1000 Genomes Project 30x 0.00031; ExAC 0.00033.
gnomAD v4.1: 398 of 1,613,988 alleles (0.025%); highest among the groups gnomAD compares: East Asian, 0.17%; 2 homozygotes.

Submissions (13):

Labcorp Genetics (formerly Invitae), Labcorp
Classification: Pathogenic. Last evaluated: 2026-01-12. Review status: criteria provided, single submitter. Criteria: Invitae Variant Classification Sherloc (09022015). Collection method: clinical testing. Allele origin: germline.
Comment: This sequence change replaces threonine, which is neutral and polar, with alanine, which is neutral and non-polar, at codon 1590 of the SBF1 protein (p.Thr1590Ala). This variant is present in population databases (rs200488568, gnomAD 0.3%). This missense change has been observed in individual(s) with Charcot-Marie-Tooth disease type 4B3 (PMID: 23749797). In at least one individual the data is consistent with being in trans (on the opposite chromosome) from a pathogenic variant. It has also been observed to segregate with disease in related individuals. ClinVar contains an entry for this variant (Variation ID: 51006). Invitae Evidence Modeling of protein sequence and biophysical properties (such as structural, functional, and spatial information, amino acid conservation, physicochemical variation, residue mobility, and thermodynamic stability) indicates that this missense variant is not expected to disrupt SBF1 protein function with a negative predictive value of 80%. For these reasons, this variant has been classified as Pathogenic.

First Genomix Gene Laboratory, Genetic Diagnostics Department
Classification: Likely pathogenic for Charcot-Marie-Tooth disease type 4B3. Last evaluated: 2025-08-04. Review status: criteria provided, single submitter. Criteria: ACMG Guidelines, 2015. Collection method: clinical testing. Allele origin: germline. Inheritance: Autosomal recessive inheritance. Affected: no. Observed: 1 variant allele.

Blueprint Genetics
Classification: Uncertain significance. Last evaluated: 2024-11-27. Review status: criteria provided, single submitter. Criteria: ACMG Guidelines, 2015. Collection method: clinical testing. Allele origin: germline.

CeGaT Center for Human Genetics Tuebingen
Classification: Uncertain significance. Last evaluated: 2024-04-01. Review status: criteria provided, single submitter. Criteria: CeGaT Center For Human Genetics Tuebingen Variant Classification Criteria Version 2. Collection method: clinical testing. Allele origin: germline. Affected: yes. Observed: 5 variant alleles.
Comment: SBF1: PP1:Strong

ARUP Laboratories, Molecular Genetics and Genomics, ARUP Laboratories
Classification: Uncertain significance for Charcot-Marie-Tooth disease type 4B3. Last evaluated: 2024-01-09. Review status: criteria provided, single submitter. Criteria: ARUP Molecular Germline Variant Investigation Process 2024. Collection method: clinical testing. Allele origin: germline.
Comment: The SBF1 c.4768A>G; p.Thr1590Ala variant (rs200488568) is reported in the literature in three compound heterozygotes from a single family affected with Charcot-Marie-Tooth (CMT) type 4B3, and in a compound heterozygous individual without phenotype information (Nakhro 2013, Stranneheim 2021). This variant has also been found in a heterozygous individual with suspected CMT (Yalcintepe 2021). The p.Thr1590Ala variant is reported in ClinVar (Variation ID: 51006) and is found in the general population with an overall allele frequency of 0.03% (89/280,552 alleles) in the Genome Aggregation Database (v2.1.1). Computational analyses are uncertain whether this variant is neutral or deleterious (REVEL: 0.274). Due to limited information, the clinical significance of this variant is uncertain at this time. References: Nakhro K et al. SET binding factor 1 (SBF1) mutation causes Charcot-Marie-Tooth disease type 4B3. Neurology. 2013 Jul 9;81(2):165-73. PMID: 23749797. Stranneheim H et al. Integration of whole genome sequencing into a healthcare setting: high diagnostic rates across multiple clinical entities in 3219 rare disease patients. Genome Med. 2021 Mar 17;13(1):40. PMID: 33726816. Yalcintepe S et al. The Importance of Multiple Gene Analysis for Diagnosis and Differential Diagnosis in Charcot Marie Tooth Disease. Turk Neurosurg. 2021;31(6):888-895. PMID: 34169998.

Department of Pathology and Laboratory Medicine, Sinai Health System
Classification: Uncertain significance for Charcot-Marie-Tooth disease type 4B3. Last evaluated: 2023-08-18. Review status: criteria provided, single submitter. Criteria: ACMG Guidelines, 2015. Collection method: research. Allele origin: germline.

Women's Health and Genetics/Laboratory Corporation of America, LabCorp
Classification: Uncertain significance. Last evaluated: 2022-08-25. Review status: criteria provided, single submitter. Criteria: LabCorp Variant Classification Summary - May 2015. Collection method: clinical testing. Allele origin: germline.
Comment: Variant summary: SBF1 c.4768A>G (p.Thr1590Ala) results in a non-conservative amino acid change located in the Myotubularin-like, phosphatase domain (IPR010569) of the encoded protein sequence. Three of five in-silico tools predict a benign effect of the variant on protein function. The variant allele was found at a frequency of 0.00033 in 249242 control chromosomes. This frequency does not allow conclusions about variant significance. c.4768A>G has been reported in the literature as a compound heterozygous genotype in at-least three individuals from a single family affected with autosomal recessive demyelinating Charcot-Marie- Tooth disease type 4B (CMT4B) and as a non-informative genotype (uncertainty regarding the second reported allele and no traceable clinical case evidence) in another study examining whole genome sequencing into a healthcare setting (example, Nakhro_2013, Stranneheim_2021). These data indicate that the variant may be associated with disease. To our knowledge, no experimental evidence demonstrating an impact on protein function has been reported. Five clinical diagnostic laboratories have submitted clinical-significance assessments for this variant to ClinVar after 2014 without evidence for independent evaluation. Multiple laboratories reported the variant with conflicting assessments (Likely pathogenic/Pathogenic, n=2; VUS, n=3). Some submitters cite overlapping evidence utilized in the context of this evaluation. Based on the evidence outlined above, the variant was classified as VUS-possibly pathogenic.

Mayo Clinic Laboratories, Mayo Clinic
Classification: Uncertain significance. Last evaluated: 2021-12-29. Review status: criteria provided, single submitter. Criteria: ACMG Guidelines, 2015. Collection method: clinical testing. Allele origin: germline.

AiLife Diagnostics
Classification: Uncertain significance. Last evaluated: 2020-05-14. Review status: criteria provided, single submitter. Criteria: ACMG Guidelines, 2015. Collection method: clinical testing. Allele origin: germline. Affected: yes. Observed: 1 variant allele.

GeneDx
Classification: Uncertain significance. Last evaluated: 2020-03-02. Review status: criteria provided, single submitter. Criteria: GeneDx Variant Classification Process June 2021. Collection method: clinical testing. Allele origin: germline. Affected: yes.
Comment: In silico analysis, which includes protein predictors and evolutionary conservation, supports that this variant does not alter protein structure/function; This variant is associated with the following publications: (PMID: 31070812, 30039846, 25496518, 23749797)

Juno Genomics, Hangzhou Juno Genomics, Inc
Classification: Likely pathogenic for Charcot-Marie-Tooth disease type 4B3. Review status: criteria provided, single submitter. Criteria: ACMG Guidelines, 2015. Collection method: clinical testing. Allele origin: germline.
Comment: Multiple lines of computational evidence suggest no impact on gene or gene product.;For recessive disorders, detected in trans with a pathogenic variant.;Co-segregation with disease in multiple affected family members.;Patient's phenotype or family history is highly specific for a disease with a single genetic etiology.

OMIM
Classification: Pathogenic for CHARCOT-MARIE-TOOTH DISEASE, DEMYELINATING, TYPE 4B3. Last evaluated: 2013-07-09. Review status: no assertion criteria provided. Collection method: literature only. Allele origin: germline. Not counted in ClinVar's aggregate classification.

Practice for Gait Abnormalities, David Pomarino, Competency Network Toe Walking C/o Practice Pomarino
Classification: Likely pathogenic for Tip-toe gait. Last evaluated: 2023-06-13. Review status: flagged submission. Collection method: clinical testing. Allele origin: germline. Affected: yes. Not counted in ClinVar's aggregate classification.
Comment: Hereditary motor sensory neuropathy (HMSN), also known as Charcot-Marie-Tooth Disease (CMT), is the most commonly inherited peripheral polyneuropathy. It constitutes a group of inherited, progressive, motor and sensory peripheral nerve disorders with properties of demyelination, axonal degeneration, or both. It is classified by clinical characteristics, modes of inheritance, electrophysiologic features, metabolic defects, and specific gene markers. Our patients all walk on tiptoe, so they show similar symptoms. When we genetically test them with our toe walking panel, we find that around 90 per cent of them have a genetic variant that explains their toe walking. These can be assigned, for example, to the area of myopathies (such as variants of the COL6A3 gene), the area of hereditary neuropathies (such as variants of the KMT2C gene) or the area of metabolic diseases (such as variants of the PYGM gene). In a smaller group of patients with almost identical symptoms, no abnormality is found in the genes of our panel, but spastic paraplegia can be detected. In another small group of our toe walkers, no abnormalities can be detected in the genes analysed in our toe walking panel, nor do they suffer from spastic paraplegia, as is also the case with healthy children. In contrast to these, however, they show a tiptoe gait. These patients suffer from infantile cerebral palsy, in which toe walking can also be observed.
ClinVar note: Notes: This gene has insufficient supporting evidence for isolated Tip-Toe Gait.
ClinVar note: Reason: Claim with insufficient supporting evidence

Literature cited by the submitters: PubMed 23749797 (cited by 4 submitters); PubMed 33726816 (cited by Women's Health and Genetics/Laboratory Corporation of America, LabCorp); PubMed 31482689 (cited by Women's Health and Genetics/Laboratory Corporation of America, LabCorp); PubMed 37091313 (cited by Practice for Gait Abnormalities, David Pomarino, Competency Network Toe Walking C/o Practice Pomarino).

NM_002972.4(SBF1):c.4768A>G (p.Thr1590Ala)

Gene: SBF1 (SET binding factor 1; minus strand). Cytogenetic location: 22q13.33.
Variant type: single nucleotide variant.
Coding change: c.4768A>G on transcript NM_002972.4 (MANE Select); coding-DNA position 4768, A replaced by G.
Protein change: p.Thr1590Ala; replaces threonine 1590 with alanine.
Molecular consequence: missense variant.
Genome position (GRCh38, 1-based): chr22:50,454,858, T>C on the plus strand (A>G on the coding strand, the complement: SBF1 is on the minus strand). VCF-style: chr22-50454858-T-C. GRCh37 (hg19) VCF-style: chr22-50893287-T-C.
Other names: p.Thr1590Ala; c.4693A>G, p.Thr1565Ala (NM_001365819.1); short protein forms T1590A, T1565A.
Identifiers: ClinVar variation 51006 (VCV000051006.65), dbSNP rs200488568, ClinGen allele CA143929.